The following is an entry in ClinVar:

NM_001378120.1(MBD5):c.1985C>A (p.Pro662Gln)

Gene: MBD5 (methyl-CpG binding domain protein 5; plus strand). Cytogenetic location: 2q23.1.
Variant type: single nucleotide variant.
Coding change: c.1985C>A on transcript NM_001378120.1 (MANE Select); coding-DNA position 1985, C replaced by A.
Protein change: p.Pro662Gln; replaces proline 662 with glutamine.
Molecular consequence: missense variant.
Genome position (GRCh38, 1-based): chr2:148,469,928, C>A. VCF-style: chr2-148469928-C-A. GRCh37 (hg19) VCF-style: chr2-149227497-C-A.
Other names: c.1985C>A, p.Pro662Gln (NM_018328.5); short protein forms P662Q.
Identifiers: ClinVar variation 834115 (VCV000834115.12), dbSNP rs1280684603, ClinGen allele CA348720871.

ClinVar aggregate classification (germline): Uncertain significance. Review status: criteria provided, multiple submitters, no conflicts (2 of 4 stars). 2 submissions from 2 submitters: Uncertain significance (2). Last evaluated 2019-12-03.

Conditions:
Inborn genetic diseases. Identifiers: MedGen C0950123, MeSH D030342.
Intellectual developmental disorder, autosomal dominant 1. Also called: Intellectual disability, autosomal dominant 1; MBD5 Haploinsufficiency. Identifiers: Orphanet 228402, MedGen C1969562, MONDO:0007974, OMIM 156200.

Allele frequency attached by ClinVar (database versions not stated): gnomAD exomes below 0.00001.
gnomAD v4.1: 1 of 1,613,950 alleles (0.000062%); highest among the groups gnomAD compares: Non-Finnish European, 0.000085%; no homozygotes.

Submissions (2):

Labcorp Genetics (formerly Invitae), Labcorp
Classification: Uncertain significance for Intellectual developmental disorder, autosomal dominant 1. Last evaluated: 2019-12-03. Review status: criteria provided, single submitter. Criteria: Invitae Variant Classification Sherloc (09022015). Collection method: clinical testing. Allele origin: germline.
Comment: Algorithms developed to predict the effect of missense changes on protein structure and function (SIFT, PolyPhen-2, Align-GVGD) all suggest that this variant is likely to be disruptive, but these predictions have not been confirmed by published functional studies and their clinical significance is uncertain. In summary, the available evidence is currently insufficient to determine the role of this variant in disease. Therefore, it has been classified as a Variant of Uncertain Significance. This variant has not been reported in the literature in individuals with MBD5-related conditions. This variant is not present in population databases (ExAC no frequency). This sequence change replaces proline with glutamine at codon 662 of the MBD5 protein (p.Pro662Gln). The proline residue is highly conserved and there is a moderate physicochemical difference between proline and glutamine.

Ambry Genetics
Classification: Uncertain significance for Inborn genetic diseases. Last evaluated: 2018-05-18. Review status: criteria provided, single submitter. Criteria: Ambry Variant Classification Scheme 2023. Collection method: clinical testing. Allele origin: germline.
Comment: The p.P662Q variant (also known as c.1985C>A), located in coding exon 4 of the MBD5 gene, results from a C to A substitution at nucleotide position 1985. The proline at codon 662 is replaced by glutamine, an amino acid with similar properties. This amino acid position is well conserved in available vertebrate species. In addition, this alteration is predicted to be tolerated by in silico analysis. Since supporting evidence is limited at this time, the clinical significance of this alteration remains unclear.